The following is an entry in ClinVar:

ClinVar aggregate classification (germline): Uncertain significance (1 of 4 stars; one submission).

gnomAD v4.1: 3 of 1,553,252 alleles (0.00019%); highest among the groups gnomAD compares: African/African-American, 0.0014%; no homozygotes.

Submission:

Labcorp Genetics (formerly Invitae), Labcorp
Classification: Uncertain significance. Last evaluated: 2025-02-09. Review status: criteria provided, single submitter. Criteria: Invitae Variant Classification Sherloc (09022015). Collection method: clinical testing. Allele origin: germline.
Comment: This sequence change falls in intron 36 of the COL2A1 gene. It does not directly change the encoded amino acid sequence of the COL2A1 protein. It affects a nucleotide within the consensus splice site. This variant is not present in population databases (gnomAD no frequency). This variant has not been reported in the literature in individuals affected with COL2A1-related conditions. Variants that disrupt the consensus splice site are a relatively common cause of aberrant splicing (PMID: 17576681, 9536098). Algorithms developed to predict the effect of sequence changes on RNA splicing suggest that this variant is not likely to affect RNA splicing. In summary, the available evidence is currently insufficient to determine the role of this variant in disease. Therefore, it has been classified as a Variant of Uncertain Significance.

Literature cited by the submitters: PubMed 17576681; PubMed 9536098.

NM_001844.5(COL2A1):c.2409+3G>A

Gene: COL2A1 (collagen type II alpha 1 chain; minus strand). Cytogenetic location: 12q13.11.
Variant type: single nucleotide variant.
Coding change: c.2409+3G>A on transcript NM_001844.5 (MANE Select); 3 bases into the intron after coding-DNA position 2409, G replaced by A.
Molecular consequence: intron variant.
Genome position (GRCh38, 1-based): chr12:47,981,773, C>T on the plus strand (G>A on the coding strand, the complement: COL2A1 is on the minus strand). VCF-style: chr12-47981773-C-T. GRCh37 (hg19) VCF-style: chr12-48375556-C-T.
Other names: c.2202+3G>A (NM_033150.3).
Identifiers: ClinVar variation 3630624 (VCV003630624.2).